The following is an entry in ClinVar:

NM_000197.2(HSD17B3):c.277+4A>T

Genes: HSD17B3 (hydroxysteroid 17-beta dehydrogenase 3; minus strand), SLC35D2-HSD17B3 (SLC35D2-HSD17B3 readthrough; minus strand). Cytogenetic location: 9q22.32.
Variant type: single nucleotide variant.
Coding change: c.277+4A>T on transcript NM_000197.2 (MANE Select); 4 bases into the intron after coding-DNA position 277, A replaced by T.
Molecular consequence: intron variant.
Genome position (GRCh38, 1-based): chr9:96,254,864, T>A on the plus strand (A>T on the coding strand, the complement: HSD17B3 is on the minus strand). VCF-style: chr9-96254864-T-A. GRCh37 (hg19) VCF-style: chr9-99017146-T-A.
Identifiers: ClinVar variation 208587 (VCV000208587.39), dbSNP rs201115371, ClinGen allele CA204562.

ClinVar aggregate classification (germline): Pathogenic. Review status: criteria provided, multiple submitters, no conflicts (2 of 4 stars). 18 submissions from 18 submitters: Pathogenic (17). 1 of the submissions does not count toward it. Last evaluated 2026-06-29.

Conditions:
HSD17B3-related disorder. Also called: HSD17B3-related condition.
Fetal anomalies with a likely genetic cause.
Pseudohermaphroditism. Identifiers: MedGen C0033804, MONDO:0005518.
Inborn genetic diseases. Identifiers: MedGen C0950123, MeSH D030342.
Testosterone 17-beta-dehydrogenase deficiency. Also called: 17 alpha ketosteroid reductase deficiency of testis; 17 alpha KSR deficiency; Neutral 17 beta hydroxysteroid oxidoreductase deficiency; Male pseudoherma-phroditism with gynecomastia; 17-beta hydroxysteroid dehydrogenase 3 deficiency; Pseudohermaphroditism male with gynecomastia. Identifiers: Orphanet 752, MedGen C0268296, MONDO:0009916, OMIM 264300. Disease mechanism: loss of function.

Allele frequency attached by ClinVar (database versions not stated): gnomAD exomes 0.00034 and 0.00065; gnomAD 0.00036 and 0.00038; ESP Exome Variant Server 0.00038; ExAC 0.00039; TOPMed 0.00040.
gnomAD v4.1: 988 of 1,613,158 alleles (0.061%); highest among the groups gnomAD compares: Non-Finnish European, 0.081%; 1 homozygote.

Submissions 1 to 12 of 20:

Genetics Laboratory, Great Ormond Street Hospital NHS Foundation Trust, North Thames Genomic Laboratory Hub
Classification: Pathogenic for Fetal anomalies with a likely genetic cause. Last evaluated: 2026-06-29. Review status: criteria provided, single submitter. Criteria: ACGS Best Practice Guidelines for Variant Classification in Rare Disease 2024 v1.2. Collection method: clinical testing. Allele origin: germline. Affected: yes.
Comment: PVS1_very-strong, PM3_strong

Dasa
Classification: Pathogenic. Last evaluated: 2026-04-18. Review status: criteria provided, single submitter. Criteria: DASA Assertion Criteria. Collection method: clinical testing. Allele origin: germline.
Comment: NM_000197.2(HSD17B3):c.277+4A>T introduces a premature termination codon predicted to result in loss of normal protein function. Loss-of-function is an established mechanism of disease for this gene. Segregation evidence has been reported in affected families. This variant has been observed in affected individuals with related phenotype in a genotype context consistent with recessive disease (PMID: 23295294; PMID: 10599740; PMID: 8550739; PMID: 30668521). Functional evidence supports a deleterious effect on the gene or gene product (PMID: 23295294; PMID: 10599740; PMID: 8550739; PMID: 30668521). This variant has been recurrently observed in individuals with related phenotype (PMID: 23295294; PMID: 10599740; PMID: 8550739; PMID: 30668521). The variant is present at low frequency in population datasets. Based on the available data, this variant is classified as pathogenic.

Labcorp Genetics (formerly Invitae), Labcorp
Classification: Pathogenic. Last evaluated: 2026-02-02. Review status: criteria provided, single submitter. Criteria: Invitae Variant Classification Sherloc (09022015). Collection method: clinical testing. Allele origin: germline.
Comment: This sequence change falls in intron 3 of the HSD17B3 gene. It does not directly change the encoded amino acid sequence of the HSD17B3 protein. RNA analysis indicates that this variant induces altered splicing and may result in an absent or altered protein product. This variant is present in population databases (rs201115371, gnomAD 0.07%). This variant has been observed in individuals with 17-beta hydroxysteroid dehydrogenase 3 deficiency (PMID: 10599740, 25740850, 32297288). This variant is also known as 325+4A>T. ClinVar contains an entry for this variant (Variation ID: 208587). Variants that disrupt the consensus splice site are a relatively common cause of aberrant splicing (PMID: 17576681, 9536098). Studies have shown that this variant results in skipping of exon 3, and produces a non-functional protein and/or introduces a premature termination codon (PMID: 10599740). For these reasons, this variant has been classified as Pathogenic.

Variantyx, Inc.
Classification: Pathogenic for Testosterone 17-beta-dehydrogenase deficiency. Last evaluated: 2025-10-14. Review status: criteria provided, single submitter. Criteria: Variantyx Assertion Criteria 2022. Collection method: clinical testing. Allele origin: germline. Inheritance: Autosomal recessive inheritance. Affected: yes.
Comment: This is an intronic variant in the HSD17B3 gene (OMIM: 605573). Pathogenic variants in this gene have been associated with autosomal recessive 17-beta hydroxysteroid dehydrogenase 3 deficiency. This splicing variant is expected to result in loss of function, which is a known disease mechanism for HSD17B3 in this disorder (PMID: 10599740) (PVS1). This variant has been identified in the homozygous or compound heterozygous state in the current proband, and at least 20 individuals reported in the published literature (PMID: 37855374, 25740850, 32297288, 23295294, 29176693, 30668521, 35432193, 36606580) (PM3_Strong). This variant has a 0.0812% maximum allele frequency in non-founder control populations (PM2). Based on the current evidence, this variant is classified as pathogenic for autosomal recessive 17-beta hydroxysteroid dehydrogenase 3 deficiency.

PreventionGenetics, part of Exact Sciences
Classification: Pathogenic for HSD17B3-related condition. Last evaluated: 2025-06-24. Review status: criteria provided, single submitter. Criteria: ACMG Guidelines, 2015. Collection method: clinical testing. Allele origin: germline.
Comment: The HSD17B3 c.277+4A>T variant is predicted to interfere with splicing. This variant has been reported to be causative in multiple patients with 17-beta hydroxysteroid dehydrogenase deficiency-related male pesudohermaphroditism when present in the homozygous state or in the compound heterozygous state with a second HSD17B3 pathogenic variant (Boehmer et al. 1999. PubMed ID: 10599740, reported as c.325+4A>T; Phelan et al. 2015. PubMed ID: 25740850). This variant is reported in 0.068% of alleles in individuals of European (Non-Finnish) descent in gnomAD. This variant is interpreted as pathogenic.

Laboratorio de Genetica e Diagnostico Molecular, Hospital Israelita Albert Einstein
Classification: Pathogenic for Testosterone 17-beta-dehydrogenase deficiency. Last evaluated: 2025-05-27. Review status: criteria provided, single submitter. Criteria: ACMG Guidelines, 2015. Collection method: clinical testing. Allele origin: germline. Affected: yes.
Comment: ACMG classification criteria: PVS1 very strong, PM3 very strong

Victorian Clinical Genetics Services, Murdoch Childrens Research Institute
Classification: Pathogenic for Testosterone 17-beta-dehydrogenase deficiency. Last evaluated: 2025-04-23. Review status: criteria provided, single submitter. Criteria: ACMG Guidelines, 2015. Collection method: clinical testing. Allele origin: germline. Affected: yes.
Comment: This variant is classified as Pathogenic. Evidence in support of pathogenic classification: Splice site variant proven to affect splicing of the transcript with uncertain effect on protein sequence. This variant has been shown to result in the skipping of exon 3, and is expected to result in nonsense-mediated decay (NMD) (PMID: 10599740); Variant is present in gnomAD <0.01 for a recessive condition (v4: 986 heterozygote(s), 1 homozygote(s)); This variant has strong previous evidence of pathogenicity in unrelated individuals. This variant has been classified as pathogenic by clinical laboratories in ClinVar, and reported in the literature in homozygous and compound heterozygous individuals with male pseudohermaphroditism (PMID: 10599740). Additional information: This variant is heterozygous; This gene is associated with autosomal recessive disease; Loss of function is a known mechanism of disease in this gene and is associated with male pseudohermaphroditism with gynecomastia (MIM#264300); Inheritance information for this variant is not currently available in this individual.

Ambry Genetics
Classification: Pathogenic for Inborn genetic diseases. Last evaluated: 2025-03-21. Review status: criteria provided, single submitter. Criteria: Ambry Variant Classification Scheme 2023. Collection method: clinical testing. Allele origin: germline.
Comment: The c.277+4A>T intronic alteration results from an A to T substitution 4 nucleotides after coding exon 3 of the HSD17B3 gene. Based on data from gnomAD, the T allele has an overall frequency of 0.033% (94/282304) total alleles studied. The highest observed frequency was 0.068% (88/128990) of European (non-Finnish) alleles. This variant has been identified in the homozygous state and in conjunction with other HSD17B3 variants in individuals with features consistent with 17-beta-hydroxysteroid dehydrogenase deficiency; in at least one instance, the variants were identified in trans (Boehmer, 1999; Phelan, 2015; Hughes, 2019; Ambry internal data). This nucleotide position is highly conserved in available vertebrate species. Studies of RNA splicing in an individual homozygous for this variant revealed that no wild type transcript was produced. Instead, a transcript with deletion of exon 3 and a transcript with deletion of exons 3 and 4 were detected. These transcripts resulted in loss of function (Boehmer, 1999). In silico splice site analysis predicts that this alteration will weaken the native splice donor site. Based on the available evidence, this alteration is classified as pathogenic.

Blueprint Genetics
Classification: Pathogenic for HSD17B3-related disorders. Last evaluated: 2024-11-11. Review status: criteria provided, single submitter. Criteria: ACMG Guidelines, 2015. Collection method: clinical testing. Allele origin: germline. Affected: yes. Observed: 5 variant alleles.

Greenwood Genetic Center Diagnostic Laboratories, Greenwood Genetic Center
Classification: Pathogenic for Testosterone 17-beta-dehydrogenase deficiency. Last evaluated: 2023-05-17. Review status: criteria provided, single submitter. Criteria: ACMG Guidelines, 2015. Collection method: clinical testing. Allele origin: germline. Affected: yes.
Comment: PS3 PM3_Strong

GeneDx
Classification: Pathogenic. Last evaluated: 2022-03-07. Review status: criteria provided, single submitter. Criteria: GeneDx Variant Classification Process June 2021. Collection method: clinical testing. Allele origin: germline. Affected: yes.
Comment: Non-canonical splice site variant demonstrated to result in loss-of-function (Boehmer et al., 1999); This variant is associated with the following publications: (PMID: 25525159, 10599740, 27951541, 30609409, 30668521, 25740850, 32297288, 34426522, 31589614)

Revvity Omics, Revvity
Classification: Pathogenic for Testosterone 17-beta-dehydrogenase deficiency. Last evaluated: 2022-01-25. Review status: criteria provided, single submitter. Criteria: ACMG Guidelines, 2015. Collection method: clinical testing. Allele origin: germline.